The following is an entry in ClinVar:

ClinVar aggregate classification (germline): Uncertain significance (1 of 4 stars; one submission).

gnomAD v4.1: 4 of 1,589,564 alleles (0.00025%); highest among the groups gnomAD compares: East Asian, 0.0022%; no homozygotes.

Submission:

Quest Diagnostics Nichols Institute San Juan Capistrano
Classification: Uncertain significance. Last evaluated: 2024-07-02. Review status: criteria provided, single submitter. Criteria: Quest Diagnostics criteria. Collection method: clinical testing. Allele origin: unknown.
Comment: The XRCC2 c.*3T>C variant has not been reported in individuals with XRCC2-related conditions in the published literature. The frequency of this variant in the general population, 0.0000087 (2/229068 chromosomes (Genome Aggregation Database)), is uninformative in the assessment of its pathogenicity. Analysis of this variant using software algorithms for the prediction of the effect of nucleotide changes on splicing yielded predictions that this variant does not affect XRCC2 mRNA splicing. Based on the available information, we are unable to determine the clinical significance of this variant.

NM_005431.2(XRCC2):c.*3T>C

Gene: XRCC2 (X-ray repair cross complementing 2; minus strand). Cytogenetic location: 7q36.1.
Variant type: single nucleotide variant.
Coding change: c.*3T>C on transcript NM_005431.2 (MANE Select); 3 bases downstream of the stop codon, T replaced by C.
Molecular consequence: 3 prime UTR variant.
Genome position (GRCh38, 1-based): chr7:152,648,639, A>G on the plus strand (T>C on the coding strand, the complement: XRCC2 is on the minus strand). VCF-style: chr7-152648639-A-G. GRCh37 (hg19) VCF-style: chr7-152345724-A-G.
Identifiers: ClinVar variation 3572247 (VCV003572247.1).